The following is an entry in ClinVar:

ClinVar aggregate classification (germline): Uncertain significance (1 of 4 stars; one submission).

Submission:

GeneDx
Classification: Uncertain significance. Last evaluated: 2019-08-20. Review status: criteria provided, single submitter. Criteria: GeneDx Variant Classification Process June 2021. Collection method: clinical testing. Allele origin: germline. Affected: yes.
Comment: Not observed in large population cohorts (Lek et al., 2016); In silico analysis, which includes protein predictors and evolutionary conservation, supports a deleterious effect; Has not been previously published as pathogenic or benign to our knowledge

NM_001374828.1(ARID1B):c.4560C>A (p.Ser1520Arg)

Gene: ARID1B (AT-rich interaction domain 1B; plus strand). Cytogenetic location: 6q25.3.
Variant type: single nucleotide variant.
Coding change: c.4560C>A on transcript NM_001374828.1 (MANE Select); coding-DNA position 4560, C replaced by A.
Protein change: p.Ser1520Arg; replaces serine 1520 with arginine.
Molecular consequence: missense variant.
Genome position (GRCh38, 1-based): chr6:157,200,785, C>A. VCF-style: chr6-157200785-C-A. GRCh37 (hg19) VCF-style: chr6-157521919-C-A.
Other names: c.4191C>A (NM_020732.3); c.2061C>A, p.Ser687Arg (NM_001363725.2); c.4440C>A, p.Ser1480Arg (NM_001371656.1, NM_001374820.1); c.4401C>A, p.Ser1467Arg (NM_017519.3); short protein forms S1467R, S1480R, S1520R, S687R.
Identifiers: ClinVar variation 1307940 (VCV001307940.2), dbSNP rs2128372595, ClinGen allele CA366240928.